The following is an entry in ClinVar:

ClinVar aggregate classification (germline): Uncertain significance (1 of 4 stars; one submission).

Allele frequency attached by ClinVar (database versions not stated): TOPMed 0.00006; gnomAD 0.00007; ExAC 0.00001.
gnomAD v4.1: 49 of 1,608,808 alleles (0.003%); highest among the groups gnomAD compares: African/African-American, 0.015%; no homozygotes.

Submission:

Labcorp Genetics (formerly Invitae), Labcorp
Classification: Uncertain significance. Last evaluated: 2025-06-11. Review status: criteria provided, single submitter. Criteria: Invitae Variant Classification Sherloc (09022015). Collection method: clinical testing. Allele origin: germline.
Comment: This sequence change replaces arginine, which is basic and polar, with cysteine, which is neutral and slightly polar, at codon 591 of the TRIM28 protein (p.Arg591Cys). This variant is present in population databases (rs750720339, gnomAD 0.008%). This variant has not been reported in the literature in individuals affected with TRIM28-related conditions. ClinVar contains an entry for this variant (Variation ID: 2893176). Experimental studies and prediction algorithms are not available or were not evaluated, and the functional significance of this variant is currently unknown. In summary, the available evidence is currently insufficient to determine the role of this variant in disease. Therefore, it has been classified as a Variant of Uncertain Significance.

NM_005762.3(TRIM28):c.1771C>T (p.Arg591Cys)

Gene: TRIM28 (tripartite motif containing 28; plus strand). Cytogenetic location: 19q13.43.
Variant type: single nucleotide variant.
Coding change: c.1771C>T on transcript NM_005762.3 (MANE Select); coding-DNA position 1771, C replaced by T.
Protein change: p.Arg591Cys; replaces arginine 591 with cysteine.
Molecular consequence: missense variant.
Genome position (GRCh38, 1-based): chr19:58,549,439, C>T. VCF-style: chr19-58549439-C-T. GRCh37 (hg19) VCF-style: chr19-59060806-C-T.
Other names: short protein forms R591C.
Identifiers: ClinVar variation 2893176 (VCV002893176.3), dbSNP rs750720339, ClinGen allele CA9719381.